The following is an entry in ClinVar:

ClinVar aggregate classification (germline): Pathogenic. Review status: criteria provided, multiple submitters, no conflicts (2 of 4 stars). 2 submissions from 2 submitters: Pathogenic (2). Last evaluated 2024-03-01.

Conditions:
Transient bullous dermolysis of the newborn (TBDN). Also called: EPIDERMOLYSIS BULLOSA DYSTROPHICA, NEONATAL FORM; DYSTROPHIC EPIDERMOLYSIS BULLOSA, NEONATAL. Identifiers: Orphanet 79411, MedGen C1851573, MONDO:0007548, OMIM 131705.
Recessive dystrophic epidermolysis bullosa (RDEB). Also called: Recessive DEB (RDEB); DYSTROPHIC EPIDERMOLYSIS BULLOSA, AUTOSOMAL RECESSIVE; EPIDERMOLYSIS BULLOSA DYSTROPHICA, HALLOPEAU-SIEMENS TYPE; Epidermolysis Bullosa Distrophica Autosomal Recessive (RDEB); Hallopeau-Siemens Disease; severe generalized recessive dystrophic epidermolysis bullosa. Identifiers: Orphanet 79408, Orphanet 79409, MedGen C0079474, MONDO:0009179, OMIM 226600.
Nonsyndromic congenital nail disorder 8. Also called: TOENAIL DYSTROPHY, ISOLATED. Identifiers: MedGen C1843761, MONDO:0011852, OMIM 607523.
Epidermolysis bullosa pruriginosa. Also called: DEB, PRURIGINOSA; DYSTROPHIC EPIDERMOLYSIS BULLOSA PRURIGINOSA. Identifiers: Orphanet 89843, MedGen C1275114, MONDO:0011398, OMIM 604129.
Pretibial dystrophic epidermolysis bullosa. Also called: EPIDERMOLYSIS BULLOSA DYSTROPHICA, PRETIBIAL; Pretibial epidermolysis bullosa; Pretibial blistering. Identifiers: Orphanet 79410, MedGen C0432321, MONDO:0007552, OMIM 131850, HP:0012221.
Dominant dystrophic epidermolysis bullosa with absence of skin. Also called: EPIDERMOLYSIS BULLOSA DYSTROPHICA, BART TYPE; EPIDERMOLYSIS BULLOSA WITH CONGENITAL LOCALIZED ABSENCE OF SKIN AND DEFORMITY OF NAILS. Identifiers: MedGen C0268371, MONDO:0007557, OMIM 132000.
Generalized dominant dystrophic epidermolysis bullosa (DDEB). Also called: Dominant DEB (DDEB); DDEB, generalized; DDEB-gen; DYSTROPHIC EPIDERMOLYSIS BULLOSA, AUTOSOMAL DOMINANT; Epidermolysis bullosa dystrophica, autosomal dominant. Identifiers: Orphanet 231568, MedGen C0432322, MONDO:0007549, OMIM 131750.

Allele frequency attached by ClinVar (database versions not stated): gnomAD exomes below 0.00001.
gnomAD v4.1: 4 of 1,614,186 alleles (0.00025%); highest among the groups gnomAD compares: Non-Finnish European, 0.00017%; no homozygotes.

Submissions (2):

Labcorp Genetics (formerly Invitae), Labcorp
Classification: Pathogenic. Last evaluated: 2024-03-01. Review status: criteria provided, single submitter. Criteria: Invitae Variant Classification Sherloc (09022015). Collection method: clinical testing. Allele origin: germline.
Comment: This sequence change replaces glycine, which is neutral and non-polar, with arginine, which is basic and polar, at codon 2674 of the COL7A1 protein (p.Gly2674Arg). This variant is not present in population databases (gnomAD no frequency). This missense change has been observed in individual(s) with autosomal recessive dystrophic epidermolysis bullosa (PMID: 8644729, 8900535; Invitae). In at least one individual the data is consistent with being in trans (on the opposite chromosome) from a pathogenic variant. ClinVar contains an entry for this variant (Variation ID: 1066186). Advanced modeling of protein sequence and biophysical properties (such as structural, functional, and spatial information, amino acid conservation, physicochemical variation, residue mobility, and thermodynamic stability) performed at Invitae indicates that this missense variant is expected to disrupt COL7A1 protein function with a positive predictive value of 95%. This variant disrupts the triple helix domain of COL7A1. Glycine residues within the Gly-Xaa-Yaa repeats of the triple helix domain are required for the structure and stability of fibrillar collagens (PMID: 7695699, 8218237, 19344236), and variants at these glycine residues in COL7A1 are more frequently observed in individuals with disease than in the general population (PMID: 22058051). However, the clinical significance of this observation remains uncertain since only a limited number of affected individuals have been described to date. This variant disrupts the p.Gly2674 amino acid residue in COL7A1. Other variant(s) that disrupt this residue have been observed in individuals with COL7A1-related conditions (PMID: 10504458), which suggests that this may be a clinically significant amino acid residue. For these reasons, this variant has been classified as Pathogenic.

Fulgent Genetics
Classification: Pathogenic for Transient bullous dermolysis of the newborn; Generalized dominant dystrophic epidermolysis bullosa; Pretibial dystrophic epidermolysis bullosa; Dominant dystrophic epidermolysis bullosa with absence of skin; Recessive dystrophic epidermolysis bullosa; Epidermolysis bullosa pruriginosa; Nonsyndromic congenital nail disorder 8. Last evaluated: 2024-01-22. Review status: criteria provided, single submitter. Criteria: ACMG Guidelines, 2015. Collection method: clinical testing. Allele origin: germline.

Literature cited by the submitters: PubMed 8644729 (cited by Labcorp Genetics (formerly Invitae), Labcorp); PubMed 8900535 (cited by Labcorp Genetics (formerly Invitae), Labcorp); PubMed 7695699 (cited by Labcorp Genetics (formerly Invitae), Labcorp); PubMed 8218237 (cited by Labcorp Genetics (formerly Invitae), Labcorp); PubMed 19344236 (cited by Labcorp Genetics (formerly Invitae), Labcorp); PubMed 22058051 (cited by Labcorp Genetics (formerly Invitae), Labcorp); PubMed 10504458 (cited by Labcorp Genetics (formerly Invitae), Labcorp).

NM_000094.4(COL7A1):c.8020G>C (p.Gly2674Arg)

Gene: COL7A1 (collagen type VII alpha 1 chain; minus strand). Cytogenetic location: 3p21.31.
Variant type: single nucleotide variant.
Coding change: c.8020G>C on transcript NM_000094.4 (MANE Select); coding-DNA position 8020, G replaced by C.
Protein change: p.Gly2674Arg; replaces glycine 2674 with arginine.
Molecular consequence: missense variant.
Genome position (GRCh38, 1-based): chr3:48,567,600, C>G on the plus strand (G>C on the coding strand, the complement: COL7A1 is on the minus strand). VCF-style: chr3-48567600-C-G. GRCh37 (hg19) VCF-style: chr3-48605033-C-G.
Other names: short protein forms G2674R.
Identifiers: ClinVar variation 1066186 (VCV001066186.6), dbSNP rs2107635006, ClinGen allele CA352641070.